The following is an entry in ClinVar:

Conditions:
Breast-ovarian cancer, familial, susceptibility to, 1 (BROVCA1). Also called: BRCA1 Hereditary Breast and Ovarian Cancer; OVARIAN CANCER, SUSCEPTIBILITY TO. Identifiers: Orphanet 145, MedGen C2676676, MONDO:0011450, OMIM 604370. Disease mechanism: loss of function.

Submission:

Brotman Baty Institute, University of Washington
No classification provided (evidence only). Condition: Breast-ovarian cancer, familial 1. Review status: no classification provided. Collection method: in vitro. Allele origin: not applicable. Functional consequence: function_uncertain_variant.
ClinVar note: "not provided" was previously submitted as the classification for the variant. However, the classification appeared to be based only on an observation of functional data so it was converted to no classification on 2025-07-30.

NM_007294.4(BRCA1):c.5435C>T (p.Pro1812Leu)

Gene: BRCA1 (BRCA1 DNA repair associated; minus strand). Cytogenetic location: 17q21.31.
Variant type: single nucleotide variant.
Coding change: c.5435C>T on transcript NM_007294.4 (MANE Select); coding-DNA position 5435, C replaced by T.
Protein change: p.Pro1812Leu; replaces proline 1812 with leucine.
Molecular consequence: missense variant. On other transcripts: synonymous variant (17).
Genome position (GRCh38, 1-based): chr17:43,047,675, G>A on the plus strand (C>T on the coding strand, the complement: BRCA1 is on the minus strand). VCF-style: chr17-43047675-G-A. GRCh37 (hg19) VCF-style: chr17-41199692-G-A.
Other names: c.5222C>T, p.Pro1741Leu (NM_001407571.1, NM_001407894.1, NM_001407895.1 and 12 more transcripts); c.5501C>T, p.Pro1834Leu (NM_001407581.1, NM_001407582.1); c.5498C>T, p.Pro1833Leu (NM_001407583.1, NM_001407585.1, NM_001407587.1 and 1 more transcripts); c.5495C>T, p.Pro1832Leu (NM_001407590.1, NM_001407591.1); c.5432C>T, p.Pro1811Leu (NM_001407612.1, NM_001407613.1, NM_001407614.1 and 14 more transcripts); c.5429C>T, p.Pro1810Leu (NM_001407627.1, NM_001407628.1, NM_001407629.1 and 13 more transcripts); c.5426C>T, p.Pro1809Leu (NM_001407644.1, NM_001407645.1); c.5423C>T, p.Pro1808Leu (NM_001407646.1); and 83 more; short protein forms P1812L, P708L, P1765L, P1833L, P1515L, P1516L, P1658L, P1684L.
Identifiers: ClinVar variation 865504 (VCV000865504.3), dbSNP rs2050986502, ClinGen allele CA10590557.
Genomic context (GRCh38, chr17:43,047,675, plus strand): 5'-ATAGCACAGGTACATGCAGGCACCTTACCATGGAAGCCATTGTCCTCTGTCCAGGCATCT[G>A]GCTGCACAACCACAATTGGGTGGACACCCTGGATCCCCAGGAAGGAAAGAGCATTCAAAG-3'
Protein context (NP_009225.1, residues 1802-1822): TGVHPIVVVQ[Pro1812Leu]DAWTEDNGFH